The following is an entry in ClinVar:

ClinVar aggregate classification (germline): Likely benign (0 of 4 stars; one submission).

Conditions:
TENM4-related disorder. Also called: TENM4-related condition.

Allele frequency attached by ClinVar (database versions not stated): gnomAD 0.00003; gnomAD exomes 0.00003; TOPMed 0.00003; ExAC 0.00005; 1000 Genomes Project 30x 0.00016.
gnomAD v4.1: 49 of 1,551,116 alleles (0.0032%); highest among the groups gnomAD compares: South Asian, 0.026%; no homozygotes.

Submission:

PreventionGenetics, part of Exact Sciences
Classification: Likely benign for TENM4-related condition. Last evaluated: 2019-08-21. Review status: no assertion criteria provided. Collection method: clinical testing. Allele origin: germline.
Comment: This variant is classified as likely benign based on ACMG/AMP sequence variant interpretation guidelines (Richards et al. 2015 PMID: 25741868, with internal and published modifications).

NM_001098816.3(TENM4):c.1542G>A (p.Pro514=)

Gene: TENM4 (teneurin transmembrane protein 4; minus strand). Cytogenetic location: 11q14.1.
Variant type: single nucleotide variant.
Coding change: c.1542G>A on transcript NM_001098816.3 (MANE Select); coding-DNA position 1542, G replaced by A.
Protein change: p.Pro514=; no amino-acid change (proline 514 retained).
Molecular consequence: synonymous variant.
Genome position (GRCh38, 1-based): chr11:78,854,243, C>T on the plus strand (G>A on the coding strand, the complement: TENM4 is on the minus strand). VCF-style: chr11-78854243-C-T. GRCh37 (hg19) VCF-style: chr11-78565288-C-T.
Identifiers: ClinVar variation 3053870 (VCV003053870.2), dbSNP rs752521439, ClinGen allele CA6207537.